The following is an entry in ClinVar:

NM_020631.6(PLEKHG5):c.1680+5G>A

Gene: PLEKHG5 (pleckstrin homology and RhoGEF domain containing G5; minus strand). Cytogenetic location: 1p36.31.
Variant type: single nucleotide variant.
Coding change: c.1680+5G>A on transcript NM_020631.6 (MANE Select); 5 bases into the intron after coding-DNA position 1680, G replaced by A.
Molecular consequence: intron variant.
Genome position (GRCh38, 1-based): chr1:6,470,501, C>T on the plus strand (G>A on the coding strand, the complement: PLEKHG5 is on the minus strand). VCF-style: chr1-6470501-C-T. GRCh37 (hg19) VCF-style: chr1-6530561-C-T.
Other names: c.1680+5G>A (NM_198681.4, NM_001265594.3, NM_001042664.2 and 1 more transcripts); c.1791+5G>A (NM_001042663.3, NM_001265592.2); c.1887+5G>A (NM_001265593.2).
Identifiers: ClinVar variation 4085559 (VCV004085559.8).

ClinVar aggregate classification (germline): Uncertain significance (1 of 4 stars; one submission).

Submission:

CeGaT Center for Human Genetics Tuebingen
Classification: Uncertain significance. Last evaluated: 2025-07-01. Review status: criteria provided, single submitter. Criteria: CeGaT Center For Human Genetics Tuebingen Variant Classification Criteria Version 2. Collection method: clinical testing. Allele origin: germline. Affected: yes. Observed: 1 variant allele.
Comment: PLEKHG5: PM2